The following is an entry in ClinVar:

NM_033305.3(VPS13A):c.3961T>C (p.Phe1321Leu)

Gene: VPS13A (vacuolar protein sorting 13 homolog A; plus strand). Cytogenetic location: 9q21.2.
Variant type: single nucleotide variant.
Coding change: c.3961T>C on transcript NM_033305.3 (MANE Select); coding-DNA position 3961, T replaced by C.
Protein change: p.Phe1321Leu; replaces phenylalanine 1321 with leucine.
Molecular consequence: missense variant.
Genome position (GRCh38, 1-based): chr9:77,307,945, T>C. VCF-style: chr9-77307945-T-C. GRCh37 (hg19) VCF-style: chr9-79922861-T-C.
Other names: c.3844T>C, p.Phe1282Leu (NM_001018037.2); c.3961T>C, p.Phe1321Leu (NM_001018038.3, NM_015186.4); short protein forms F1321L, F1282L.
Identifiers: ClinVar variation 912437 (VCV000912437.5), dbSNP rs781501141, ClinGen allele CA5092404.

ClinVar aggregate classification (germline): Uncertain significance. Review status: criteria provided, multiple submitters, no conflicts (2 of 4 stars). 2 submissions from 2 submitters: Uncertain significance (2). Last evaluated 2022-07-27.

Conditions:
VPS13A-related neurodegenerative disease. Also called: VPS13A Disease; Choreaacanthocytosis; Chorea-acanthocytosis; LEVINE-CRITCHLEY SYNDROME; Choreoacanthocytosis; ACANTHOCYTOSIS WITH NEUROLOGIC DISORDER. Identifiers: Orphanet 2388, MedGen C0393576, MONDO:0008695, OMIM 200150.

Allele frequency attached by ClinVar (database versions not stated): gnomAD exomes below 0.00001 and 0.00001; TOPMed below 0.00001; ExAC 0.00001; gnomAD 0.00001.
gnomAD v4.1: 6 of 1,582,436 alleles (0.00038%); highest among the groups gnomAD compares: Admixed American, 0.0033%; no homozygotes.

Submissions (2):

Labcorp Genetics (formerly Invitae), Labcorp
Classification: Uncertain significance. Last evaluated: 2022-07-27. Review status: criteria provided, single submitter. Criteria: Invitae Variant Classification Sherloc (09022015). Collection method: clinical testing. Allele origin: germline.
Comment: This sequence change replaces phenylalanine, which is neutral and non-polar, with leucine, which is neutral and non-polar, at codon 1321 of the VPS13A protein (p.Phe1321Leu). This variant is present in population databases (rs781501141, gnomAD 0.002%). This variant has not been reported in the literature in individuals affected with VPS13A-related conditions. ClinVar contains an entry for this variant (Variation ID: 912437). Algorithms developed to predict the effect of missense changes on protein structure and function output the following: SIFT: "Tolerated"; PolyPhen-2: "Benign"; Align-GVGD: "Class C0". The leucine amino acid residue is found in multiple mammalian species, which suggests that this missense change does not adversely affect protein function. In summary, the available evidence is currently insufficient to determine the role of this variant in disease. Therefore, it has been classified as a Variant of Uncertain Significance.

Illumina Laboratory Services, Illumina
Classification: Uncertain significance for VPS13A-related neurodegenerative disease. Last evaluated: 2018-01-13. Review status: criteria provided, single submitter. Criteria: ICSL Variant Classification Criteria 13 December 2019. Collection method: clinical testing. Allele origin: germline.